The following is an entry in ClinVar:

NM_003227.4(TFR2):c.2105T>C (p.Leu702Pro)

Genes: TFR2 (transferrin receptor 2; minus strand), LOC113687175 (Sharpr-MPRA regulatory region 4647; plus strand). Cytogenetic location: 7q22.1.
Variant type: single nucleotide variant.
Coding change: c.2105T>C on transcript NM_003227.4 (MANE Select); coding-DNA position 2105, T replaced by C.
Protein change: p.Leu702Pro; replaces leucine 702 with proline.
Molecular consequence: missense variant.
Genome position (GRCh38, 1-based): chr7:100,626,794, A>G on the plus strand (T>C on the coding strand, the complement: TFR2 is on the minus strand). VCF-style: chr7-100626794-A-G. GRCh37 (hg19) VCF-style: chr7-100224417-A-G.
Other names: c.1592T>C, p.Leu531Pro (NM_001206855.3); short protein forms L531P, L702P.
Identifiers: ClinVar variation 1012051 (VCV001012051.9), dbSNP rs1803265980, ClinGen allele CA368522720.

ClinVar aggregate classification (germline): Uncertain significance (1 of 4 stars; one submission).

Conditions:
Hereditary hemochromatosis (HFE). Identifiers: MedGen C0392514, MONDO:0006507. Disease mechanism: loss of function.

Submission:

Labcorp Genetics (formerly Invitae), Labcorp
Classification: Uncertain significance for Hereditary hemochromatosis. Last evaluated: 2020-10-14. Review status: criteria provided, single submitter. Criteria: Invitae Variant Classification Sherloc (09022015). Collection method: clinical testing. Allele origin: germline.
Comment: This sequence change replaces leucine with proline at codon 702 of the TFR2 protein (p.Leu702Pro). The leucine residue is highly conserved and there is a moderate physicochemical difference between leucine and proline. This variant is not present in population databases (ExAC no frequency). This variant has not been reported in the literature in individuals with TFR2-related conditions. Algorithms developed to predict the effect of missense changes on protein structure and function (SIFT, PolyPhen-2, Align-GVGD) all suggest that this variant is likely to be disruptive, but these predictions have not been confirmed by published functional studies and their clinical significance is uncertain. In summary, the available evidence is currently insufficient to determine the role of this variant in disease. Therefore, it has been classified as a Variant of Uncertain Significance.